The following is an entry in ClinVar:

NM_000245.4(MET):c.159G>C (p.Gln53His)

Gene: MET (MET proto-oncogene, receptor tyrosine kinase; plus strand). Cytogenetic location: 7q31.2.
Variant type: single nucleotide variant.
Coding change: c.159G>C on transcript NM_000245.4 (MANE Select); coding-DNA position 159, G replaced by C.
Protein change: p.Gln53His; replaces glutamine 53 with histidine.
Molecular consequence: missense variant. On other transcripts: intron variant (1).
Genome position (GRCh38, 1-based): chr7:116,699,243, G>C. VCF-style: chr7-116699243-G-C. GRCh37 (hg19) VCF-style: chr7-116339297-G-C.
Other names: c.159G>C, p.Gln53His (NM_001127500.3, NM_001324401.3); c.-91+26666G>C (NM_001324402.2); short protein forms Q53H.
Identifiers: ClinVar variation 1013985 (VCV001013985.8), dbSNP rs1791464303, ClinGen allele CA368968465.
Genomic context (GRCh38, chr7:116,699,243, plus strand): 5'-CGAGATGAATGTGAATATGAAGTATCAGCTTCCCAACTTCACCGCGGAAACACCCATCCA[G>C]AATGTCATTCTACATGAGCATCACATTTTCCTTGGTGCCACTAACTACATTTATGTTTTA-3'
Protein context (NP_000236.2, residues 43-63): LPNFTAETPI[Gln53His]NVILHEHHIF

ClinVar aggregate classification (germline): Uncertain significance (1 of 4 stars; one submission).

Conditions:
Renal cell carcinoma. Identifiers: Orphanet 217071, MedGen C0007134, MeSH D002292, MONDO:0005086, HP:0005584.

Submission:

Labcorp Genetics (formerly Invitae), Labcorp
Classification: Uncertain significance for Renal cell carcinoma. Last evaluated: 2018-04-24. Review status: criteria provided, single submitter. Criteria: Invitae Variant Classification Sherloc (09022015). Collection method: clinical testing. Allele origin: germline.
Comment: This sequence change replaces glutamine with histidine at codon 53 of the MET protein (p.Gln53His). The glutamine residue is moderately conserved and there is a small physicochemical difference between glutamine and histidine. This variant is not present in population databases (ExAC no frequency). This variant has not been reported in the literature in individuals with MET-related disease. Algorithms developed to predict the effect of missense changes on protein structure and function output the following: SIFT: "Tolerated"; PolyPhen-2: "Benign"; Align-GVGD: "Class C0". The histidine amino acid residue is found in multiple mammalian species, suggesting that this missense change does not adversely affect protein function. These predictions have not been confirmed by published functional studies and their clinical significance is uncertain. In summary, the available evidence is currently insufficient to determine the role of this variant in disease. Therefore, it has been classified as a Variant of Uncertain Significance.